The following is an entry in ClinVar:

NM_001182.5(ALDH7A1):c.1201-2A>T

Gene: ALDH7A1 (aldehyde dehydrogenase 7 family member A1; minus strand). Cytogenetic location: 5q23.2.
Variant type: single nucleotide variant.
Coding change: c.1201-2A>T on transcript NM_001182.5 (MANE Select); the canonical splice acceptor site of the intron before coding-DNA position 1201, A replaced by T.
Molecular consequence: splice acceptor variant.
Genome position (GRCh38, 1-based): chr5:126,552,139, T>A on the plus strand (A>T on the coding strand, the complement: ALDH7A1 is on the minus strand). VCF-style: chr5-126552139-T-A. GRCh37 (hg19) VCF-style: chr5-125887831-T-A.
Other names: c.1009-2A>T (NM_001202404.2); c.1117-2A>T (NM_001201377.2).
Identifiers: ClinVar variation 3384088 (VCV003384088.1).
Genomic context (GRCh38, chr5:126,552,139, plus strand): 5'-TCGTGGCCAAGACCTGTCACAATTGTCGGTTCTACATAATTTCCAGGGCGATCCATAACC[T>A]AATGCAGAGAAATGAAATAAAAAGAATGAAAGCATTTTGTTTTCTAGGACTTGGGGTCAG-3'

ClinVar aggregate classification (germline): Likely pathogenic (1 of 4 stars; one submission).

Conditions:
Epilepsy. Also called: Seizure disorder. Identifiers: MedGen C0014544, MeSH D004827, MONDO:0005027.

Submission:

Dubai Health Genomic Medicine Center, Dubai Health
Classification: Likely pathogenic for Epilepsy. Last evaluated: 2024-10-04. Review status: criteria provided, single submitter. Criteria: ACMG Guidelines, 2015. Collection method: research. Allele origin: germline. Affected: yes.
Comment: PVS1,PM2